The following is an entry in ClinVar:

NM_000264.5(PTCH1):c.1654T>G (p.Ser552Ala)

Gene: PTCH1 (patched 1; minus strand). Cytogenetic location: 9q22.32.
Variant type: single nucleotide variant.
Coding change: c.1654T>G on transcript NM_000264.5 (MANE Select); coding-DNA position 1654, T replaced by G.
Protein change: p.Ser552Ala; replaces serine 552 with alanine.
Molecular consequence: missense variant. On other transcripts: non-coding transcript variant (1).
Genome position (GRCh38, 1-based): chr9:95,476,108, A>C on the plus strand (T>G on the coding strand, the complement: PTCH1 is on the minus strand). VCF-style: chr9-95476108-A-C. GRCh37 (hg19) VCF-style: chr9-98238390-A-C.
Other names: c.1456T>G, p.Ser486Ala (NM_001083602.3); c.1651T>G, p.Ser551Ala (NM_001083603.3); c.1201T>G, p.Ser401Ala (NM_001083604.3, NM_001083605.3, NM_001083606.3 and 1 more transcripts); c.1498T>G, p.Ser500Ala (NM_001354918.2); short protein forms S401A, S552A, S486A, S500A, S551A.
Identifiers: ClinVar variation 952763 (VCV000952763.10), dbSNP rs1841012358, ClinGen allele CA374118025.

ClinVar aggregate classification (germline): Uncertain significance (1 of 4 stars; one submission).

Conditions:
Gorlin syndrome. Also called: Basal cell nevus syndrome; Nevoid Basal Cell Carcinoma Syndrome. Identifiers: Orphanet 377, MedGen C0004779, MONDO:0007187.

Submission:

Labcorp Genetics (formerly Invitae), Labcorp
Classification: Uncertain significance for Gorlin syndrome. Last evaluated: 2019-06-16. Review status: criteria provided, single submitter. Criteria: Invitae Variant Classification Sherloc (09022015). Collection method: clinical testing. Allele origin: germline.
Comment: This sequence change replaces serine with alanine at codon 552 of the PTCH1 protein (p.Ser552Ala). The serine residue is moderately conserved and there is a moderate physicochemical difference between serine and alanine. This variant is not present in population databases (ExAC no frequency). This variant has not been reported in the literature in individuals with PTCH1-related conditions. Algorithms developed to predict the effect of missense changes on protein structure and function are either unavailable or do not agree on the potential impact of this missense change (SIFT: "Tolerated"; PolyPhen-2: "Possibly Damaging"; Align-GVGD: "Class C0"). In summary, the available evidence is currently insufficient to determine the role of this variant in disease. Therefore, it has been classified as a Variant of Uncertain Significance.